The following is an entry in ClinVar:

NC_000022.10:g.(?_50167881)_(51066207_?)dup

Genes: BRD1 (bromodomain containing 1; minus strand), PANX2 (pannexin 2; plus strand), TUBGCP6 (tubulin gamma complex component 6; minus strand), TRABD (TraB domain containing; plus strand), LMF2 (lipase maturation factor 2; minus strand) and 28 more. Cytogenetic location: 22q13.33.
Variant type: Duplication.
Identifiers: ClinVar variation 1441357 (VCV001441357.5).

ClinVar aggregate classification (germline): Uncertain significance (1 of 4 stars; one submission).

Conditions:
ALG12-congenital disorder of glycosylation (CDG1G). Also called: Congenital disorder of glycosylation, type Ig; ALG12-CDG; CDG Ig. Identifiers: Orphanet 79324, MedGen C2931001, MONDO:0011783, OMIM 607143.

Submission:

Labcorp Genetics (formerly Invitae), Labcorp
Classification: Uncertain significance for ALG12-congenital disorder of glycosylation. Last evaluated: 2022-10-09. Review status: criteria provided, single submitter. Criteria: Invitae Variant Classification Sherloc (09022015). Collection method: clinical testing. Allele origin: germline.
Comment: A copy number gain of the genomic region encompassing the full coding sequence of the ALG12 gene has been identified. The boundaries of this event are unknown as they extend beyond the assayed region for this gene and therefore may encompass additional genes. As the precise location of this event is unknown, it may be in tandem or it may be located elsewhere in the genome. This variant has not been reported in the literature in individuals affected with ALG12-related conditions. In summary, the available evidence is currently insufficient to determine the role of this variant in disease. Therefore, it has been classified as a Variant of Uncertain Significance.